The following is an entry in ClinVar:

NM_001367561.1(DOCK7):c.2756T>C (p.Ile919Thr)

Gene: DOCK7 (dedicator of cytokinesis 7; minus strand). Cytogenetic location: 1p31.3.
Variant type: single nucleotide variant.
Coding change: c.2756T>C on transcript NM_001367561.1 (MANE Select); coding-DNA position 2756, T replaced by C.
Protein change: p.Ile919Thr; replaces isoleucine 919 with threonine.
Molecular consequence: missense variant.
Genome position (GRCh38, 1-based): chr1:62,552,742, A>G on the plus strand (T>C on the coding strand, the complement: DOCK7 is on the minus strand). VCF-style: chr1-62552742-A-G. GRCh37 (hg19) VCF-style: chr1-63018413-A-G.
Other names: c.2756T>C, p.Ile919Thr (NM_001271999.2, NM_001272000.2, NM_001272001.2 and 2 more transcripts); short protein forms I919T.
Identifiers: ClinVar variation 967844 (VCV000967844.10), dbSNP rs1428281204, ClinGen allele CA340619373.

ClinVar aggregate classification (germline): Uncertain significance (1 of 4 stars; one submission).

Conditions:
Developmental and epileptic encephalopathy, 23 (DEE23). Also called: Epileptic encephalopathy, early infantile, 23. Identifiers: Orphanet 411986, MedGen C4014492, MONDO:0014371, OMIM 615859.

Allele frequency attached by ClinVar (database versions not stated): TOPMed 0.00001.

Submission:

Labcorp Genetics (formerly Invitae), Labcorp
Classification: Uncertain significance for Developmental and epileptic encephalopathy, 23. Last evaluated: 2022-03-10. Review status: criteria provided, single submitter. Criteria: Invitae Variant Classification Sherloc (09022015). Collection method: clinical testing. Allele origin: germline.
Comment: In summary, the available evidence is currently insufficient to determine the role of this variant in disease. Therefore, it has been classified as a Variant of Uncertain Significance. Algorithms developed to predict the effect of missense changes on protein structure and function (SIFT, PolyPhen-2, Align-GVGD) all suggest that this variant is likely to be tolerated. ClinVar contains an entry for this variant (Variation ID: 967844). This variant has not been reported in the literature in individuals affected with DOCK7-related conditions. This variant is not present in population databases (gnomAD no frequency). This sequence change replaces isoleucine, which is neutral and non-polar, with threonine, which is neutral and polar, at codon 919 of the DOCK7 protein (p.Ile919Thr).